The following is an entry in ClinVar:

NM_018192.4(P3H2):c.22C>T (p.Pro8Ser)

Genes: P3H2 (prolyl 3-hydroxylase 2; minus strand), LOC123464484 (Sharpr-MPRA regulatory region 10063; plus strand). Cytogenetic location: 3q28.
Variant type: single nucleotide variant.
Coding change: c.22C>T on transcript NM_018192.4 (MANE Select); coding-DNA position 22, C replaced by T.
Protein change: p.Pro8Ser; replaces proline 8 with serine.
Molecular consequence: missense variant. On other transcripts: intron variant (1).
Genome position (GRCh38, 1-based): chr3:190,120,710, G>A on the plus strand (C>T on the coding strand, the complement: P3H2 is on the minus strand). VCF-style: chr3-190120710-G-A. GRCh37 (hg19) VCF-style: chr3-189838499-G-A.
Other names: c.-64+1493C>T (NM_001134418.2); short protein forms P8S.
Identifiers: ClinVar variation 1006207 (VCV001006207.4), dbSNP rs768562190, ClinGen allele CA2753457.

ClinVar aggregate classification (germline): Conflicting classifications of pathogenicity. Review status: criteria provided, conflicting classifications (1 of 4 stars). 2 submissions from 2 submitters: Uncertain significance (1); Likely benign (1). Last evaluated 2023-09-26.

Allele frequency attached by ClinVar (database versions not stated): ExAC below 0.00001; gnomAD exomes 0.00002 and 0.00013; gnomAD 0.00004 and 0.00005; TOPMed 0.00006.
gnomAD v4.1: 38 of 1,519,766 alleles (0.0025%); highest among the groups gnomAD compares: East Asian, 0.084%; no homozygotes.

Submissions (2):

Blueprint Genetics
Classification: Likely benign. Last evaluated: 2023-09-26. Review status: criteria provided, single submitter. Criteria: ACMG Guidelines, 2015. Collection method: clinical testing. Allele origin: germline.

Labcorp Genetics (formerly Invitae), Labcorp
Classification: Uncertain significance. Last evaluated: 2023-09-08. Review status: criteria provided, single submitter. Criteria: Invitae Variant Classification Sherloc (09022015). Collection method: clinical testing. Allele origin: germline.
Comment: This sequence change replaces proline, which is neutral and non-polar, with serine, which is neutral and polar, at codon 8 of the P3H2 protein (p.Pro8Ser). This variant is present in population databases (rs768562190, gnomAD 0.2%). This variant has not been reported in the literature in individuals affected with P3H2-related conditions. ClinVar contains an entry for this variant (Variation ID: 1006207). Algorithms developed to predict the effect of missense changes on protein structure and function output the following: SIFT: "Not Available"; PolyPhen-2: "Benign"; Align-GVGD: "Not Available". The serine amino acid residue is found in multiple mammalian species, which suggests that this missense change does not adversely affect protein function. In summary, the available evidence is currently insufficient to determine the role of this variant in disease. Therefore, it has been classified as a Variant of Uncertain Significance.